The following is an entry in ClinVar:

ClinVar aggregate classification (germline): Uncertain significance (1 of 4 stars; one submission).

gnomAD v4.1: 6 of 1,586,528 alleles (0.00038%); highest among the groups gnomAD compares: African/African-American, 0.0027%; no homozygotes.

Submission:

CeGaT Center for Human Genetics Tuebingen
Classification: Uncertain significance. Last evaluated: 2025-11-01. Review status: criteria provided, single submitter. Criteria: CeGaT Center For Human Genetics Tuebingen Variant Classification Criteria Version 2. Collection method: clinical testing. Allele origin: germline. Affected: yes. Observed: 1 variant allele.
Comment: CHD5: PM2:Supporting, PP2

NM_015557.3(CHD5):c.4253A>G (p.Asn1418Ser)

Gene: CHD5 (chromodomain helicase DNA binding protein 5; minus strand). Cytogenetic location: 1p36.31.
Variant type: single nucleotide variant.
Coding change: c.4253A>G on transcript NM_015557.3 (MANE Select); coding-DNA position 4253, A replaced by G.
Protein change: p.Asn1418Ser; replaces asparagine 1418 with serine.
Molecular consequence: missense variant.
Genome position (GRCh38, 1-based): chr1:6,125,531, T>C on the plus strand (A>G on the coding strand, the complement: CHD5 is on the minus strand). VCF-style: chr1-6125531-T-C. GRCh37 (hg19) VCF-style: chr1-6185591-T-C.
Other names: short protein forms N1418S.
Identifiers: ClinVar variation 4534553 (VCV004534553.6).
Genomic context (GRCh38, chr1:6,125,531, plus strand): 5'-AGGGGCAGCAGGAAGCAGGGGCAGAAAGAGATGCGGGAACAGACAGGCCCCACCTCGATG[T>C]TGCCACCAACTCGGGCGAGAAGCGGGGGCAGGGGCTTGTCCCTGTCACTCTTCAGCTGCC-3'
Protein context (NP_056372.1, residues 1408-1428): LPPLLARVGG[Asn1418Ser]IEVLGFNARQ